The following is an entry in ClinVar:

ClinVar aggregate classification (germline): Uncertain significance (1 of 4 stars; one submission).

Submission:

Labcorp Genetics (formerly Invitae), Labcorp
Classification: Uncertain significance. Last evaluated: 2025-11-08. Review status: criteria provided, single submitter. Criteria: Invitae Variant Classification Sherloc (09022015). Collection method: clinical testing. Allele origin: germline.
Comment: This sequence change falls in intron 7 of the LZTR1 gene. It does not directly change the encoded amino acid sequence of the LZTR1 protein. This variant is not present in population databases (gnomAD no frequency). This variant has not been reported in the literature in individuals affected with LZTR1-related conditions. Experimental studies and prediction algorithms are not available or were not evaluated, and the effect of this variant on mRNA splicing is currently unknown. In summary, the available evidence is currently insufficient to determine the role of this variant in disease. Therefore, it has been classified as a Variant of Uncertain Significance.

NM_006767.4(LZTR1):c.651+23_651+24insTGCAGGTGGAGGAGGTGAGGGGCACGGGGAGCCAGGG

Gene: LZTR1 (leucine zipper like post translational regulator 1; plus strand). Cytogenetic location: 22q11.21.
Variant type: Microsatellite.
Coding change: c.651+23_651+24insTGCAGGTGGAGGAGGTGAGGGGCACGGGGAGCCAGGG on transcript NM_006767.4 (MANE Select); bases 23 to 24 of the intron after coding-DNA position 651, TGCAGGTGGAGGAGGTGAGGGGCACGGGGAGCCAGGG inserted.
Molecular consequence: intron variant.
Genome position: GRCh38: chr22:20,989,694-20,989,705. GRCh37 (hg19), VCF-style position (the base before the change): chr22:21,343,982.
Identifiers: ClinVar variation 3707623 (VCV003707623.2).
Genomic context (GRCh38, chr22:20,989,693, plus strand): 5'-ACATGTGGACAATTGGCCTCCAGGACCGAGAGCTCACCTGCTGGGAGGAGGTGAGGGGCG[T>TGGGGAGCCAGGGTGCAGGTGGAGGAGGTGAGGGGCAC]GGGGAGCCAGGGCGCAGGTAGAGGAGGTGAGGGGCACGGGGAGCCAGGGCGCAGGTGGAG-3'